The following is an entry in ClinVar:

NM_001032283.3(TMPO):c.565+1809G>A

Gene: TMPO (thymopoietin; plus strand). Cytogenetic location: 12q23.1.
Variant type: single nucleotide variant.
Coding change: c.565+1809G>A on transcript NM_001032283.3 (MANE Select); 1809 bases into the intron after coding-DNA position 565, G replaced by A.
Molecular consequence: intron variant. On other transcripts: missense variant (1).
Genome position (GRCh38, 1-based): chr12:98,533,647, G>A. VCF-style: chr12-98533647-G-A. GRCh37 (hg19) VCF-style: chr12-98927425-G-A.
Other names: c.1390G>A, p.Val464Ile (NM_003276.2); c.565+1809G>A (NM_001307975.2, NM_001032284.3); short protein forms V464I.
Identifiers: ClinVar variation 1485301 (VCV001485301.8), dbSNP rs1450805694, ClinGen allele CA386153085.
Genomic context (GRCh38, chr12:98,533,647, plus strand): 5'-TCCTTTGTGGCATTTCAGAACATACCTGGATCCGAACTGATGTCTTCTTTTGCCAAAACT[G>A]TTGTCTCTCATTCACTCACTACCTTAGGTCTAGAAGTGGCTAAGCAATCACAGCATGATA-3'

ClinVar aggregate classification (germline): Uncertain significance (1 of 4 stars; one submission).

Conditions:
Loeys-Dietz syndrome 2 (LDS2). Also called: TGFBR2-Related Loeys-Dietz Syndrome; Marfan syndrome, type 2 (formerly); Marfan Syndrome type 2; Marfan like connective tissue disorder; MFS 2; AORTIC ANEURYSM, FAMILIAL THORACIC 3. Identifiers: Orphanet 284973, Orphanet 558, MedGen C2674574, MONDO:0012427, OMIM 610168.

Allele frequency attached by ClinVar (database versions not stated): gnomAD 0.00001; TOPMed 0.00001.
gnomAD v4.1: 2 of 1,614,046 alleles (0.00012%); highest among the groups gnomAD compares: African/African-American, 0.0027%; no homozygotes.

Submission:

Labcorp Genetics (formerly Invitae), Labcorp
Classification: Uncertain significance for Loeys-Dietz syndrome 2. Last evaluated: 2022-07-12. Review status: criteria provided, single submitter. Criteria: Invitae Variant Classification Sherloc (09022015). Collection method: clinical testing. Allele origin: germline.
Comment: This variant is not present in population databases (gnomAD no frequency). This sequence change replaces valine, which is neutral and non-polar, with isoleucine, which is neutral and non-polar, at codon 464 of the TMPO protein (p.Val464Ile). This variant has not been reported in the literature in individuals affected with TMPO-related conditions. In summary, the available evidence is currently insufficient to determine the role of this variant in disease. Therefore, it has been classified as a Variant of Uncertain Significance. Algorithms developed to predict the effect of missense changes on protein structure and function output the following: SIFT: "Tolerated"; PolyPhen-2: "Probably Damaging"; Align-GVGD: "Class C0". The isoleucine amino acid residue is found in multiple mammalian species, which suggests that this missense change does not adversely affect protein function. ClinVar contains an entry for this variant (Variation ID: 1485301).